The following is an entry in ClinVar:

NM_000537.4(REN):c.757G>A (p.Glu253Lys)

Gene: REN (renin; minus strand). Cytogenetic location: 1q32.1.
Variant type: single nucleotide variant.
Coding change: c.757G>A on transcript NM_000537.4 (MANE Select); coding-DNA position 757, G replaced by A.
Protein change: p.Glu253Lys; replaces glutamic acid 253 with lysine.
Molecular consequence: missense variant.
Genome position (GRCh38, 1-based): chr1:204,156,738, C>T on the plus strand (G>A on the coding strand, the complement: REN is on the minus strand). VCF-style: chr1-204156738-C-T. GRCh37 (hg19) VCF-style: chr1-204125866-C-T.
Other names: short protein forms E253K.
Identifiers: ClinVar variation 2205975 (VCV002205975.5), dbSNP rs267598319, ClinGen allele CA1344798.

ClinVar aggregate classification (germline): Uncertain significance. Review status: criteria provided, multiple submitters, no conflicts (2 of 4 stars). 2 submissions from 2 submitters: Uncertain significance (2). Last evaluated 2023-08-01.

Conditions:
Inborn genetic diseases. Identifiers: MedGen C0950123, MeSH D030342.

Allele frequency attached by ClinVar (database versions not stated): TOPMed 0.00002; ExAC 0.00004; gnomAD 0.00005; 1000 Genomes Project 30x 0.00016; 1000 Genomes Project 0.00020.
gnomAD v4.1: 16 of 1,614,054 alleles (0.00099%); highest among the groups gnomAD compares: East Asian, 0.0022%; no homozygotes.

Submissions (2):

Labcorp Genetics (formerly Invitae), Labcorp
Classification: Uncertain significance. Last evaluated: 2023-08-01. Review status: criteria provided, single submitter. Criteria: Invitae Variant Classification Sherloc (09022015). Collection method: clinical testing. Allele origin: germline.
Comment: This sequence change replaces glutamic acid, which is acidic and polar, with lysine, which is basic and polar, at codon 253 of the REN protein (p.Glu253Lys). In summary, the available evidence is currently insufficient to determine the role of this variant in disease. Therefore, it has been classified as a Variant of Uncertain Significance. Advanced modeling of protein sequence and biophysical properties (such as structural, functional, and spatial information, amino acid conservation, physicochemical variation, residue mobility, and thermodynamic stability) performed at Invitae indicates that this missense variant is not expected to disrupt REN protein function. ClinVar contains an entry for this variant (Variation ID: 2205975). This variant has not been reported in the literature in individuals affected with REN-related conditions. This variant is present in population databases (rs267598319, gnomAD 0.005%).

Ambry Genetics
Classification: Uncertain significance for Inborn genetic diseases. Last evaluated: 2022-01-19. Review status: criteria provided, single submitter. Criteria: Ambry Variant Classification Scheme 2023. Collection method: clinical testing. Allele origin: germline.